The following is an entry in ClinVar:

NM_012275.3(IL36RN):c.6C>T (p.Val2=)

Gene: IL36RN (interleukin 36 receptor antagonist; plus strand). Cytogenetic location: 2q14.1.
Variant type: single nucleotide variant.
Coding change: c.6C>T on transcript NM_012275.3 (MANE Select); coding-DNA position 6, C replaced by T.
Protein change: p.Val2=; no amino-acid change (valine 2 retained).
Molecular consequence: synonymous variant.
Genome position (GRCh38, 1-based): chr2:113,059,444, C>T. VCF-style: chr2-113059444-C-T. GRCh37 (hg19) VCF-style: chr2-113817021-C-T.
Other names: c.6C>T, p.Val2= (NM_173170.1).
Identifiers: ClinVar variation 529889 (VCV000529889.37), dbSNP rs28938771, ClinGen allele CA1838310.

ClinVar aggregate classification (germline): Conflicting classifications of pathogenicity. Review status: criteria provided, conflicting classifications (1 of 4 stars). 5 submissions from 5 submitters: Uncertain significance (1); Benign (1); Likely benign (3). Last evaluated 2026-01-21.

Conditions:
Autoinflammatory syndrome. Identifiers: Orphanet 93665, MedGen C3890737, MONDO:0019751.
Generalized pustular psoriasis. Identifiers: Orphanet 247353, MedGen C0343055, MONDO:0100491.

Allele frequency attached by ClinVar (database versions not stated): ExAC 0.00063; 1000 Genomes Project 0.00140; 1000 Genomes Project 30x 0.00172; gnomAD 0.00207 and 0.00221; TOPMed 0.00234; ESP Exome Variant Server 0.00300.
gnomAD v4.1: 590 of 1,613,854 alleles (0.037%); highest among the groups gnomAD compares: African/African-American, 0.71%; 3 homozygotes.

Submissions (5):

Labcorp Genetics (formerly Invitae), Labcorp
Classification: Benign for Generalized pustular psoriasis. Last evaluated: 2026-01-21. Review status: criteria provided, single submitter. Criteria: Invitae Variant Classification Sherloc (09022015). Collection method: clinical testing. Allele origin: germline.

Blueprint Genetics
Classification: Likely benign. Last evaluated: 2024-11-26. Review status: criteria provided, single submitter. Criteria: ACMG Guidelines, 2015. Collection method: clinical testing. Allele origin: germline.

CeGaT Center for Human Genetics Tuebingen
Classification: Likely benign. Last evaluated: 2024-07-01. Review status: criteria provided, single submitter. Criteria: CeGaT Center For Human Genetics Tuebingen Variant Classification Criteria Version 2. Collection method: clinical testing. Allele origin: germline. Affected: yes. Observed: 1 variant allele.
Comment: IL36RN: BP4, BP7, BS2

Genome Diagnostics Laboratory, The Hospital for Sick Children
Classification: Likely benign for Autoinflammatory syndrome. Last evaluated: 2021-04-19. Review status: criteria provided, single submitter. Criteria: ACMG Guidelines, 2015. Collection method: clinical testing. Allele origin: germline. Affected: yes.

Illumina Laboratory Services, Illumina
Classification: Uncertain significance for Acrodermatitis continua suppurativa of Hallopeau. Last evaluated: 2018-01-12. Review status: criteria provided, single submitter. Criteria: ICSL Variant Classification Criteria 13 December 2019. Collection method: clinical testing. Allele origin: germline.